The following is an entry in ClinVar:

ClinVar aggregate classification (germline): Conflicting classifications of pathogenicity. Review status: criteria provided, conflicting classifications (1 of 4 stars). 3 submissions from 3 submitters: Uncertain significance (1); Likely benign (2). Last evaluated 2025-04-09.

Conditions:
Cardiovascular phenotype. Identifiers: MedGen CN230736.

Allele frequency attached by ClinVar (database versions not stated): gnomAD exomes 0.00001; TOPMed 0.00002.

Submissions (3):

Molecular Diagnostic Laboratory for Inherited Cardiovascular Disease, Montreal Heart Institute
Classification: Likely benign. Last evaluated: 2025-04-09. Review status: criteria provided, single submitter. Criteria: ACMG Guidelines, 2015. Collection method: clinical testing. Allele origin: germline. Affected: no.

Ambry Genetics
Classification: Likely benign for Cardiovascular phenotype. Last evaluated: 2025-01-17. Review status: criteria provided, single submitter. Criteria: Ambry Variant Classification Scheme 2023. Collection method: clinical testing. Allele origin: germline.

Labcorp Genetics (formerly Invitae), Labcorp
Classification: Uncertain significance. Last evaluated: 2023-05-30. Review status: criteria provided, single submitter. Criteria: Invitae Variant Classification Sherloc (09022015). Collection method: clinical testing. Allele origin: germline.
Comment: ClinVar contains an entry for this variant (Variation ID: 1739685). This variant has not been reported in the literature in individuals affected with ALPK3-related conditions. The frequency data for this variant in the population databases is considered unreliable, as metrics indicate poor data quality at this position in the gnomAD database. This sequence change replaces alanine, which is neutral and non-polar, with valine, which is neutral and non-polar, at codon 144 of the ALPK3 protein (p.Ala144Val). In summary, the available evidence is currently insufficient to determine the role of this variant in disease. Therefore, it has been classified as a Variant of Uncertain Significance. An algorithm developed to predict the effect of missense changes on protein structure and function (PolyPhen-2) suggests that this variant is likely to be tolerated.

NM_020778.5(ALPK3):c.-176C>T

Gene: ALPK3 (alpha kinase 3; plus strand). Cytogenetic location: 15q25.3.
Variant type: single nucleotide variant.
Coding change: c.-176C>T on transcript NM_020778.5 (MANE Select); 176 bases upstream of the start codon, C replaced by T.
Genome position (GRCh38, 1-based): chr15:84,817,277, C>T. VCF-style: chr15-84817277-C-T. GRCh37 (hg19) VCF-style: chr15-85360508-C-T.
Other names: short protein forms A144V.
Identifiers: ClinVar variation 1739685 (VCV001739685.8), dbSNP rs917686425, ClinGen allele CA273651005.